The following is an entry in ClinVar:

ClinVar aggregate classification (germline): Uncertain significance (1 of 4 stars; one submission).

gnomAD v4.1: 1 of 1,593,802 alleles (0.000063%); highest among the groups gnomAD compares: Non-Finnish European, 0.000086%; no homozygotes.

Submission:

GeneDx
Classification: Uncertain significance. Last evaluated: 2025-04-22. Review status: criteria provided, single submitter. Criteria: GeneDx Variant Classification Process June 2021. Collection method: clinical testing. Allele origin: germline. Affected: yes.
Comment: Not observed at significant frequency in large population cohorts (gnomAD); In silico analysis indicates that this missense variant does not alter protein structure/function; Has not been previously published as pathogenic or benign to our knowledge

NM_000719.7(CACNA1C):c.6395G>A (p.Arg2132Lys)

Gene: CACNA1C (calcium voltage-gated channel subunit alpha1 C; plus strand). Cytogenetic location: 12p13.33.
Variant type: single nucleotide variant.
Coding change: c.6395G>A on transcript NM_000719.7 (MANE Select); coding-DNA position 6395, G replaced by A.
Protein change: p.Arg2132Lys; replaces arginine 2132 with lysine.
Molecular consequence: missense variant.
Genome position (GRCh38, 1-based): chr12:2,691,177, G>A. VCF-style: chr12-2691177-G-A. GRCh37 (hg19) VCF-style: chr12-2800343-G-A.
Other names: c.6452G>A, p.Arg2151Lys (NM_001129833.2, NM_001129834.2, NM_001129835.2); c.6446G>A, p.Arg2149Lys (NM_001129836.2); c.6419G>A, p.Arg2140Lys (NM_001129837.2, NM_001129838.2); c.6413G>A, p.Arg2138Lys (NM_001129839.2); c.6395G>A, p.Arg2132Lys (NM_001129840.2, NM_001129841.2, NM_001129842.2 and 2 more transcripts); c.6539G>A, p.Arg2180Lys (NM_001129827.2); c.6518G>A, p.Arg2173Lys (NM_001129829.2); c.6500G>A, p.Arg2167Lys (NM_001129830.3, NM_001167624.3); and 6 more; short protein forms R2121K, R2129K, R2132K, R2138K, R2140K, R2149K, R2151K, R2152K.
Identifiers: ClinVar variation 4527267 (VCV004527267.1).
Genomic context (GRCh38, chr12:2,691,177, plus strand): 5'-AGGACGCGGGCTGTGTGCGCGCGCGGGGTCGACCGAGTGAGGAGGAGCTCCAGGACAGCA[G>A]GGTCTACGTCAGCAGCCTGTAGTGGGCGCTGCCAGATGCGGGCTTTTTTTTATTTGTTTC-3'
Protein context (NP_000710.5, residues 2122-2138): RPSEEELQDS[Arg2132Lys]VYVSSL